The following is an entry in ClinVar:

NM_000428.3(LTBP2):c.2327del (p.Val776fs)

Gene: LTBP2 (latent transforming growth factor beta binding protein 2; minus strand). Cytogenetic location: 14q24.3.
Variant type: Deletion.
Coding change: c.2327del on transcript NM_000428.3 (MANE Select); coding-DNA position 2327, one base deleted (T; older notation c.2327delT).
Protein change: p.Val776fs; shifts the reading frame from valine 776.
Molecular consequence: frameshift variant.
Genome position (GRCh38, 1-based): chr14:74,528,524, A deleted on the plus strand (T on the coding strand, the reverse complement: LTBP2 is on the minus strand). VCF-style (leftmost placement, unchanged base first): chr14-74528523-GA-G. GRCh37 (hg19) VCF-style: chr14-74995226-GA-G.
Other names: short protein forms V776fs.
Identifiers: ClinVar variation 1418711 (VCV001418711.6), dbSNP rs2139718507, ClinGen allele CA2573150276.

ClinVar aggregate classification (germline): Pathogenic (1 of 4 stars; one submission).

Submission:

Labcorp Genetics (formerly Invitae), Labcorp
Classification: Pathogenic. Last evaluated: 2023-01-01. Review status: criteria provided, single submitter. Criteria: Invitae Variant Classification Sherloc (09022015). Collection method: clinical testing. Allele origin: germline.
Comment: For these reasons, this variant has been classified as Pathogenic. ClinVar contains an entry for this variant (Variation ID: 1418711). This variant has not been reported in the literature in individuals affected with LTBP2-related conditions. This variant is not present in population databases (gnomAD no frequency). This sequence change creates a premature translational stop signal (p.Val776Alafs*55) in the LTBP2 gene. It is expected to result in an absent or disrupted protein product. Loss-of-function variants in LTBP2 are known to be pathogenic (PMID: 19361779, 19656777, 22025892).

Literature cited by the submitters: PubMed 19361779; PubMed 19656777; PubMed 22025892.